The following is an entry in ClinVar:

ClinVar aggregate classification (germline): Uncertain significance (1 of 4 stars; one submission).

Submission:

Labcorp Genetics (formerly Invitae), Labcorp
Classification: Uncertain significance. Last evaluated: 2021-11-06. Review status: criteria provided, single submitter. Criteria: Invitae Variant Classification Sherloc (09022015). Collection method: clinical testing. Allele origin: germline.
Comment: Algorithms developed to predict the effect of missense changes on protein structure and function are either unavailable or do not agree on the potential impact of this missense change (SIFT: "Deleterious"; PolyPhen-2: "Probably Damaging"; Align-GVGD: "Class C0"). In summary, the available evidence is currently insufficient to determine the role of this variant in disease. Therefore, it has been classified as a Variant of Uncertain Significance. This sequence change replaces leucine, which is neutral and non-polar, with valine, which is neutral and non-polar, at codon 306 of the TCIRG1 protein (p.Leu306Val). This variant is not present in population databases (gnomAD no frequency). This variant has not been reported in the literature in individuals affected with TCIRG1-related conditions.

NM_006019.4(TCIRG1):c.916C>G (p.Leu306Val)

Gene: TCIRG1 (T cell immune regulator 1, ATPase H+ transporting V0 subunit a3; plus strand). Cytogenetic location: 11q13.2.
Variant type: single nucleotide variant.
Coding change: c.916C>G on transcript NM_006019.4 (MANE Select); coding-DNA position 916, C replaced by G.
Protein change: p.Leu306Val; replaces leucine 306 with valine.
Molecular consequence: missense variant.
Genome position (GRCh38, 1-based): chr11:68,044,240, C>G. VCF-style: chr11-68044240-C-G. GRCh37 (hg19) VCF-style: chr11-67811707-C-G.
Other names: c.22C>G, p.Leu8Val (NM_001351059.2); c.268C>G, p.Leu90Val (NM_006053.4); short protein forms L90V, L306V, L8V.
Identifiers: ClinVar variation 1356191 (VCV001356191.6), dbSNP rs1392293124, ClinGen allele CA381580476.
Genomic context (GRCh38, chr11:68,044,240, plus strand): 5'-CTGCAGCTGCTGCCGCCAGGGCAGGTGCAGGTCCACAAGATGAAGGCCGTGTACCTGGCC[C>G]TGAACCAGTGCAGCGTGAGCACCACGCACAAGTGCCTCATTGCCGAGGCCTGGTGCTCTG-3'
Protein context (NP_006010.2, residues 296-316): VHKMKAVYLA[Leu306Val]NQCSVSTTHK